The following is an entry in ClinVar:

ClinVar aggregate classification (germline): Uncertain significance (1 of 4 stars; one submission).

Submission:

GeneDx
Classification: Uncertain significance. Last evaluated: 2026-03-26. Review status: criteria provided, single submitter. Criteria: GeneDx Variant Classification Process June 2021. Collection method: clinical testing. Allele origin: germline.
Comment: Not observed at significant frequency in large population cohorts (gnomAD); In silico analysis suggests that this missense variant does not alter protein structure/function; Has not been previously published as pathogenic or benign to our knowledge

NM_001958.5(EEF1A2):c.127G>A (p.Glu43Lys)

Gene: EEF1A2 (eukaryotic translation elongation factor 1 alpha 2; minus strand). Cytogenetic location: 20q13.33.
Variant type: single nucleotide variant.
Coding change: c.127G>A on transcript NM_001958.5 (MANE Select); coding-DNA position 127, G replaced by A.
Protein change: p.Glu43Lys; replaces glutamic acid 43 with lysine.
Molecular consequence: missense variant.
Genome position (GRCh38, 1-based): chr20:63,497,637, C>T on the plus strand (G>A on the coding strand, the complement: EEF1A2 is on the minus strand). VCF-style: chr20-63497637-C-T. GRCh37 (hg19) VCF-style: chr20-62128990-C-T.
Other names: short protein forms E43K.
Identifiers: ClinVar variation 5017456 (VCV005017456.1).